The following is an entry in ClinVar:

ClinVar aggregate classification (germline): Uncertain significance (1 of 4 stars; one submission).

Conditions:
RASopathy. Also called: rasopathies; Noonan spectrum disorder. Identifiers: Orphanet 536391, MedGen C5555857, MONDO:0021060.

Allele frequency attached by ClinVar (database versions not stated): ExAC 0.00001; gnomAD 0.00001.
gnomAD v4.1: 1 of 1,613,208 alleles (0.000062%); highest among the groups gnomAD compares: African/African-American, 0.0013%; no homozygotes.

Submission:

Labcorp Genetics (formerly Invitae), Labcorp
Classification: Uncertain significance for RASopathy. Last evaluated: 2021-08-05. Review status: criteria provided, single submitter. Criteria: Invitae Variant Classification Sherloc (09022015). Collection method: clinical testing. Allele origin: germline.
Comment: In summary, the available evidence is currently insufficient to determine the role of this variant in disease. Therefore, it has been classified as a Variant of Uncertain Significance. Advanced modeling of protein sequence and biophysical properties (such as structural, functional, and spatial information, amino acid conservation, physicochemical variation, residue mobility, and thermodynamic stability) performed at Invitae indicates that this missense variant is expected to disrupt BRAF protein function. This variant has not been reported in the literature in individuals affected with BRAF-related conditions. This variant is present in population databases (rs766692331, ExAC 0.01%). This sequence change replaces methionine with threonine at codon 693 of the BRAF protein (p.Met693Thr). The methionine residue is highly conserved and there is a moderate physicochemical difference between methionine and threonine.

NM_004333.6(BRAF):c.2078T>C (p.Met693Thr)

Gene: BRAF (B-Raf proto-oncogene, serine/threonine kinase; minus strand). Cytogenetic location: 7q34.
Variant type: single nucleotide variant.
Coding change: c.2078T>C on transcript NM_004333.6 (MANE Select); coding-DNA position 2078, T replaced by C.
Protein change: p.Met693Thr; replaces methionine 693 with threonine.
Molecular consequence: missense variant.
Genome position (GRCh38, 1-based): chr7:140,739,861, A>G on the plus strand (T>C on the coding strand, the complement: BRAF is on the minus strand). VCF-style: chr7-140739861-A-G. GRCh37 (hg19) VCF-style: chr7-140439661-A-G.
Other names: c.2078T>C, p.Met693Thr (NM_001354609.2, NM_001378468.1, NM_001378474.1); c.2198T>C, p.Met733Thr (NM_001374244.1, NM_001374258.1); c.2087T>C, p.Met696Thr (NM_001378467.1); c.2012T>C, p.Met671Thr (NM_001378469.1); c.1976T>C, p.Met659Thr (NM_001378470.1); c.1967T>C, p.Met656Thr (NM_001378471.1); c.1922T>C, p.Met641Thr (NM_001378472.1, NM_001378473.1); c.1814T>C, p.Met605Thr (NM_001378475.1); short protein forms M733T, M656T, M659T, M696T, M605T, M641T, M671T, M693T.
Identifiers: ClinVar variation 1416937 (VCV001416937.6), dbSNP rs766692331, ClinGen allele CA4516596.